The following is an entry in ClinVar:

NM_003265.3(TLR3):c.2269_2270insGGCCGGGCGCGGTGGCTCACGCCTGTAATCCCAGCACTTTGGGAGGCCGAGGCGGGTGGATCATGANNNNNNNNNNAAAAAAAAAAAAAAAAAAAAAGAACAGTTTGAATATG (p.Ala757fs)

Gene: TLR3 (toll like receptor 3; plus strand). Cytogenetic location: 4q35.1.
Variant type: Insertion.
Coding change: c.2269_2270insGGCCGGGCGCGGTGGCTCACGCCTGTAATCCCAGCACTTTGGGAGGCCGAGGCGGGTGGATCATGANNNNNNNNNNAAAAAAAAAAAAAAAAAAAAAGAACAGTTTGAATATG on transcript NM_003265.3 (MANE Select); coding-DNA positions 2269 to 2270, GGCCGGGCGCGGTGGCTCACGCCTGTAATCCCAGCACTTTGGGAGGCCGAGGCGGGTGGATCATGANNNNNNNNNNAAAAAAAAAAAAAAAAAAAAAGAACAGTTTGAATATG inserted.
Protein change: p.Ala757fs; shifts the reading frame from alanine 757.
Molecular consequence: frameshift variant.
Genome position: GRCh38: chr4:186,083,955-186,083,956. GRCh37 (hg19): chr4:187,005,109-187,005,110.
Other names: short protein forms A757fs.
Identifiers: ClinVar variation 2120031 (VCV002120031.4), dbSNP rs2478229336.

ClinVar aggregate classification (germline): Uncertain significance (1 of 4 stars; one submission).

Conditions:
Encephalopathy, acute, infection-induced (herpes-specific), susceptibility to, 1. Also called: Herpes simplex encephalitis, susceptibility to, 1. Identifiers: Orphanet 1930, MedGen C2750180, MONDO:0024563, OMIM 610551.

Submission:

Labcorp Genetics (formerly Invitae), Labcorp
Classification: Uncertain significance for Encephalopathy, acute, infection-induced (herpes-specific), susceptibility to, 1. Last evaluated: 2022-03-31. Review status: criteria provided, single submitter. Criteria: Invitae Variant Classification Sherloc (09022015). Collection method: clinical testing. Allele origin: germline.
Comment: In summary, the available evidence is currently insufficient to determine the role of this variant in disease. Therefore, it has been classified as a Variant of Uncertain Significance. Retrotransposon insertions including LINE1 (L1), Alu, and SVA (SINE-VNTR-Alu) have been reported to disrupt protein function (PMID: 19763152, 20307669, 22406018). However the effect of this particular variant is unknown. This sequence change inserts a large fragment of DNA, likely a transposable element, in exon 4 of the TLR3 gene (c.2269_2270ins?), causing a frameshift at codon 757 (p.Ala757fs). The exact size and sequence of the insertion cannot be determined by the current assay. However, the insertion is expected to result in an absent or disrupted protein product. This variant is not present in population databases (gnomAD no frequency). This variant has not been reported in the literature in individuals affected with TLR3-related conditions.

Literature cited by the submitters: PubMed 19763152; PubMed 20307669; PubMed 22406018.